The following is an entry in ClinVar:

NM_025074.7(FRAS1):c.9806G>A (p.Arg3269Gln)

Gene: FRAS1 (Fraser extracellular matrix complex subunit 1; plus strand). Cytogenetic location: 4q21.21.
Variant type: single nucleotide variant.
Coding change: c.9806G>A on transcript NM_025074.7 (MANE Select); coding-DNA position 9806, G replaced by A.
Protein change: p.Arg3269Gln; replaces arginine 3269 with glutamine.
Molecular consequence: missense variant.
Genome position (GRCh38, 1-based): chr4:78,511,299, G>A. VCF-style: chr4-78511299-G-A. GRCh37 (hg19) VCF-style: chr4-79432453-G-A.
Other names: p.Arg3269Gln; short protein forms R3269Q.
Identifiers: ClinVar variation 198348 (VCV000198348.64), dbSNP rs61729366, ClinGen allele CA203377.

ClinVar aggregate classification (germline): Benign/Likely benign. Review status: criteria provided, multiple submitters, no conflicts (2 of 4 stars). 13 submissions from 13 submitters: Benign (5); Likely benign (4). 4 of the submissions do not count toward it. Last evaluated 2026-09-01.

Conditions:
Fraser syndrome 1 (FRASRS1). Also called: CRYPTOPHTHALMOS WITH OTHER MALFORMATIONS. Identifiers: Orphanet 2052, MedGen C4551480, MONDO:0054737, OMIM 219000.
Congenital diaphragmatic hernia. Also called: DIH; Congenital diaphragmatic defect; Unilateral agenesis of diaphragm; Agenesis of hemidiaphragm. Identifiers: Orphanet 2140, MedGen C0235833, MeSH D065630, MONDO:0005711, HP:0000776.

Allele frequency attached by ClinVar (database versions not stated): 1000 Genomes Project 0.00140; 1000 Genomes Project 30x 0.00172; gnomAD exomes 0.00518 and 0.00986; ExAC 0.00567; gnomAD 0.00571 and 0.00592; TOPMed 0.00581; ESP Exome Variant Server 0.00695.
gnomAD v4.1: 15,110 of 1,603,438 alleles (0.94%); highest among the groups gnomAD compares: Non-Finnish European, 1.2%; 95 homozygotes.

Submissions (13):

CeGaT Center for Human Genetics Tuebingen
Classification: Benign. Last evaluated: 2026-09-01. Review status: criteria provided, single submitter. Criteria: CeGaT Center For Human Genetics Tuebingen Variant Classification Criteria Version 2. Collection method: clinical testing. Allele origin: germline. Affected: yes. Observed: 17 variant alleles.
Comment: FRAS1: BS1, BS2

Labcorp Genetics (formerly Invitae), Labcorp
Classification: Benign. Last evaluated: 2026-02-02. Review status: criteria provided, single submitter. Criteria: Invitae Variant Classification Sherloc (09022015). Collection method: clinical testing. Allele origin: germline.

Mayo Clinic Laboratories, Mayo Clinic
Classification: Benign. Last evaluated: 2023-10-10. Review status: criteria provided, single submitter. Criteria: ACMG Guidelines, 2015. Collection method: clinical testing. Allele origin: germline. Observed: 5 variant alleles.
Comment: BS1, BS2

Women's Health and Genetics/Laboratory Corporation of America, LabCorp
Classification: Benign. Last evaluated: 2022-06-09. Review status: criteria provided, single submitter. Criteria: LabCorp Variant Classification Summary - May 2015. Collection method: clinical testing. Allele origin: germline.
Comment: Variant summary: FRAS1 c.9806G>A (p.Arg3269Gln) results in a conservative amino acid change in the encoded protein sequence. Three of five in-silico tools predict a damaging effect of the variant on protein function. The variant allele was found at a frequency of 0.0052 in 246530 control chromosomes (gnomAD), predominantly at a frequency of 0.0093 within the Non-Finnish European subpopulation in the gnomAD database, including 8 homozygotes. The observed variant frequency within Non-Finnish European control individuals in the gnomAD database is approximately 5 fold of the estimated maximal expected allele frequency for a pathogenic variant in FRAS1 causing Cryptophthalmos Syndrome (0.0018), strongly suggesting that the variant is a benign polymorphism found primarily in populations of Non-Finnish European origin. Five ClinVar submitters have assessed the variant since 2014: three classified the variant as likely benign, and two as benign. Based on the evidence outlined above, the variant was classified as benign.

Fulgent Genetics
Classification: Likely benign for Fraser syndrome 1. Last evaluated: 2022-04-03. Review status: criteria provided, single submitter. Criteria: ACMG Guidelines, 2015. Collection method: clinical testing. Allele origin: unknown.

Illumina Laboratory Services, Illumina
Classification: Likely benign for Fraser syndrome 1. Last evaluated: 2018-01-12. Review status: criteria provided, single submitter. Criteria: ICSL Variant Classification Criteria 13 December 2019. Collection method: clinical testing. Allele origin: germline.
Comment: This variant was observed in the ICSL laboratory as part of a predisposition screen in an ostensibly healthy population. It had not been previously curated by ICSL or reported in the Human Gene Mutation Database (HGMD: prior to June 1st, 2018), and was therefore a candidate for classification through an automated scoring system. Utilizing variant allele frequency, disease prevalence and penetrance estimates, and inheritance mode, an automated score was calculated to assess if this variant is too frequent to cause the disease. Based on the score and internal cut-off values, a variant classified as likely benign is not then subjected to further curation. The score for this variant resulted in a classification of likely benign for this disease.

Genetic Services Laboratory, University of Chicago
Classification: Likely benign. Last evaluated: 2016-09-14. Review status: criteria provided, single submitter. Criteria: ACMG Guidelines, 2015. Collection method: clinical testing. Allele origin: germline. Affected: no.

Eurofins Ntd Llc (ga)
Classification: Benign. Last evaluated: 2015-01-21. Review status: criteria provided, single submitter. Criteria: EGL Classification Definitions 2015. Collection method: clinical testing. Allele origin: germline. Observed: 2 variant alleles, 2 heterozygotes.

Breakthrough Genomics
Classification: Likely benign. Review status: criteria provided, single submitter. Criteria: ACMG Guidelines, 2015. Collection method: not provided. Allele origin: germline. Inheritance: Autosomal recessive inheritance. Affected: yes.

Daryl Scott Lab, Baylor College of Medicine
Classification: risk factor for Congenital diaphragmatic hernia. Last evaluated: 2016-11-09. Review status: no assertion criteria provided. Collection method: research. Allele origin: inherited. Affected: yes. Observed: 1 heterozygote. Not counted in ClinVar's aggregate classification.

Diagnostic Laboratory, Department of Genetics, University Medical Center Groningen
Classification: Likely benign for Fraser syndrome 1. Review status: no assertion criteria provided. Collection method: clinical testing. Allele origin: germline. Affected: yes. Study: VKGL Data-share Consensus. Not counted in ClinVar's aggregate classification.

Genome Diagnostics Laboratory, University Medical Center Utrecht
Classification: Benign. Review status: no assertion criteria provided. Collection method: clinical testing. Allele origin: germline. Affected: yes. Study: VKGL Data-share Consensus. Not counted in ClinVar's aggregate classification.

Laboratory of Diagnostic Genome Analysis, Leiden University Medical Center (LUMC)
Classification: Likely benign. Review status: no assertion criteria provided. Collection method: clinical testing. Allele origin: germline. Affected: yes. Study: VKGL Data-share Consensus. Not counted in ClinVar's aggregate classification.

Literature cited by the submitters: PubMed 24700879 (cited by Mayo Clinic Laboratories, Mayo Clinic); PubMed 29618029 (cited by Mayo Clinic Laboratories, Mayo Clinic).